The following is an entry in ClinVar:

NM_000212.3(ITGB3):c.1908del (p.Phe636fs)

Gene: ITGB3 (integrin subunit beta 3; plus strand). Cytogenetic location: 17q21.32.
Variant type: Deletion.
Coding change: c.1908del on transcript NM_000212.3 (MANE Select); coding-DNA position 1908, one base deleted (T; older notation c.1908delT).
Protein change: p.Phe636fs; shifts the reading frame from phenylalanine 636.
Molecular consequence: frameshift variant.
Genome position (GRCh38, 1-based): chr17:47,299,525, T deleted; the last of 3 consecutive T bases (chr17:47,299,523-47,299,525); deleting any one gives the same sequence. VCF-style (leftmost placement, unchanged base first): chr17-47299522-CT-C. GRCh37 (hg19) VCF-style: chr17-45376888-CT-C.
Other names: short protein forms F636fs.
Identifiers: ClinVar variation 2978762 (VCV002978762.3), dbSNP rs2547621110, ClinGen allele CA2576302433.
Genomic context (GRCh38, chr17:47,299,522, plus strand): 5'-CCAGCCGGGCTCCTATGGGGACACCTGTGAGAAGTGCCCCACCTGCCCAGATGCCTGCAC[CT>C]TTAAGAAGTGAGTGTGGAGTCTGGAGAGAGCCGGGAGGCTGGGAGGTAGGAGAGGATCCC-3'

ClinVar aggregate classification (germline): Pathogenic (1 of 4 stars; one submission).

Submission:

Labcorp Genetics (formerly Invitae), Labcorp
Classification: Pathogenic. Last evaluated: 2023-12-04. Review status: criteria provided, single submitter. Criteria: Invitae Variant Classification Sherloc (09022015). Collection method: clinical testing. Allele origin: germline.
Comment: This sequence change creates a premature translational stop signal (p.Phe636Leufs*33) in the ITGB3 gene. It is expected to result in an absent or disrupted protein product. Loss-of-function variants in ITGB3 are known to be pathogenic (PMID: 21917754). This variant is not present in population databases (gnomAD no frequency). This variant has not been reported in the literature in individuals affected with ITGB3-related conditions. For these reasons, this variant has been classified as Pathogenic.

Literature cited by the submitters: PubMed 21917754.